The following is an entry in ClinVar:

ClinVar aggregate classification (germline): Conflicting classifications of pathogenicity. Review status: criteria provided, conflicting classifications (1 of 4 stars). 5 submissions from 5 submitters: Pathogenic (2); Uncertain significance (1). 2 of the submissions do not count toward it. Last evaluated 2025-12-19.

Conditions:
Hereditary cancer-predisposing syndrome. Also called: Tumor predisposition; Hereditary neoplastic syndrome; Hereditary Cancer Syndrome; Neoplastic Syndromes, Hereditary. Identifiers: Orphanet 140162, MedGen C0027672, MeSH D009386, MONDO:0015356.
Hereditary breast ovarian cancer syndrome. Also called: Hereditary breast and/or ovarian cancer syndrome; Breast and ovarian cancer; Hereditary breast and ovarian cancer syndrome; Hereditary breast and ovarian cancer; Hereditary breast and ovarian cancer syndrome (HBOC); BRCA1- and BRCA2-Associated Hereditary Breast and Ovarian Cancer. Identifiers: Orphanet 145, MedGen C0677776, MeSH D061325, MONDO:0003582. Disease mechanism: loss of function.
Breast-ovarian cancer, familial, susceptibility to, 1 (BROVCA1). Also called: BRCA1 Hereditary Breast and Ovarian Cancer; OVARIAN CANCER, SUSCEPTIBILITY TO. Identifiers: Orphanet 145, MedGen C2676676, MONDO:0011450, OMIM 604370. Disease mechanism: loss of function.

Submissions (5):

Ambry Genetics
Classification: Pathogenic for Hereditary cancer-predisposing syndrome. Last evaluated: 2025-12-19. Review status: criteria provided, single submitter. Criteria: Ambry Variant Classification Scheme 2023. Collection method: clinical testing. Allele origin: germline.
Comment: The c.80+5G>A intronic pathogenic mutation results from a G to A substitution 5 nucleotides after coding exon 1 in the BRCA1 gene. This nucleotide position is highly conserved in available vertebrate species. In silico splice site analysis predicts that this alteration will weaken the native splice donor site. RNA studies have demonstrated that this alteration results in abnormal splicing in the set of samples tested (Ambry internal data; Baert A et al. Hum. Mutat., 2018 04;39:515-526). Other variants impacting the same donor site have been shown to have a similar impact on splicing (Ambry internal data; Steffensen AY et al. Eur J Hum Genet. 2014 Dec;22(12):1362-8). This variant is considered to be rare based on population cohorts in the Genome Aggregation Database (gnomAD). Based on the majority of available evidence to date, this alteration is interpreted as a disease-causing mutation.

Labcorp Genetics (formerly Invitae), Labcorp
Classification: Uncertain significance for Hereditary breast ovarian cancer syndrome. Last evaluated: 2024-07-28. Review status: criteria provided, single submitter. Criteria: Invitae Variant Classification Sherloc (09022015). Collection method: clinical testing. Allele origin: germline.
Comment: This sequence change falls in intron 2 of the BRCA1 gene. It does not directly change the encoded amino acid sequence of the BRCA1 protein. It affects a nucleotide within the consensus splice site. This variant is not present in population databases (gnomAD no frequency). This variant has been observed in individual(s) with breast and ovarian cancer (PMID: 29470806, 32211327). ClinVar contains an entry for this variant (Variation ID: 125520). Variants that disrupt the consensus splice site are a relatively common cause of aberrant splicing (PMID: 17576681, 9536098). Algorithms developed to predict the effect of sequence changes on RNA splicing suggest that this variant may disrupt the consensus splice site. In summary, the available evidence is currently insufficient to determine the role of this variant in disease. Therefore, it has been classified as a Variant of Uncertain Significance.

Consortium of Investigators of Modifiers of BRCA1/2 (CIMBA), c/o University of Cambridge
Classification: Pathogenic for Breast-ovarian cancer, familial, susceptibility to, 1. Last evaluated: 2015-10-02. Review status: criteria provided, single submitter. Criteria: CIMBA Mutation Classification guidelines May 2016. Collection method: clinical testing. Allele origin: germline.

BRCAlab, Lund University
Classification: Likely pathogenic for Breast-ovarian cancer, familial, susceptibility to, 1. Last evaluated: 2020-03-02. Review status: no assertion criteria provided. Collection method: clinical testing. Allele origin: germline. Affected: yes. Not counted in ClinVar's aggregate classification.

Breast Cancer Information Core (BIC) (BRCA1)
Classification: Uncertain significance for Breast-ovarian cancer, familial 1. Last evaluated: 2003-12-23. Review status: no assertion criteria provided. Collection method: clinical testing. Allele origin: germline. Affected: yes. Observed: 1 variant allele. Not counted in ClinVar's aggregate classification.

Literature cited by the submitters: PubMed 29280214 (cited by Ambry Genetics); PubMed 29470806 (cited by Labcorp Genetics (formerly Invitae), Labcorp); PubMed 32211327 (cited by Labcorp Genetics (formerly Invitae), Labcorp); PubMed 17576681 (cited by Labcorp Genetics (formerly Invitae), Labcorp); PubMed 9536098 (cited by Labcorp Genetics (formerly Invitae), Labcorp).

NM_007294.4(BRCA1):c.80+5G>A

Gene: BRCA1 (BRCA1 DNA repair associated; minus strand). Cytogenetic location: 17q21.31.
Variant type: single nucleotide variant.
Coding change: c.80+5G>A on transcript NM_007294.4 (MANE Select); 5 bases into the intron after coding-DNA position 80, G replaced by A.
Molecular consequence: intron variant.
Genome position (GRCh38, 1-based): chr17:43,124,012, C>T on the plus strand (G>A on the coding strand, the complement: BRCA1 is on the minus strand). VCF-style: chr17-43124012-C-T. GRCh37 (hg19) VCF-style: chr17-41276029-C-T.
Other names: IVS2+5G>A; c.-61-8233G>A (NM_001408458.1); c.-219+1265G>A (NM_001407967.1); c.-170+1265G>A (NM_001407959.1); c.-8+1265G>A (NM_001407931.1, NM_001407747.1); c.-224+1265G>A (NM_001407962.1, NM_001408512.1, NM_001408510.1); c.-109+1265G>A (NM_001407885.1); c.-62+1265G>A (NM_001408470.1, NM_001407848.1, NM_001407839.1 and 6 more transcripts); and 24 more.
Identifiers: ClinVar variation 125520 (VCV000125520.12), dbSNP rs80358045, ClinGen allele CA003889.